The following is an entry in ClinVar:

NM_007192.4(SUPT16H):c.2539C>T (p.Arg847Trp)

Gene: SUPT16H (SPT16 homolog, facilitates chromatin remodeling subunit; minus strand). Cytogenetic location: 14q11.2.
Variant type: single nucleotide variant.
Coding change: c.2539C>T on transcript NM_007192.4 (MANE Select); coding-DNA position 2539, C replaced by T.
Protein change: p.Arg847Trp; replaces arginine 847 with tryptophan.
Molecular consequence: missense variant.
Genome position (GRCh38, 1-based): chr14:21,357,318, G>A on the plus strand (C>T on the coding strand, the complement: SUPT16H is on the minus strand). VCF-style: chr14-21357318-G-A. GRCh37 (hg19) VCF-style: chr14-21825477-G-A.
Other names: short protein forms R847W.
Identifiers: ClinVar variation 1691274 (VCV001691274.5), dbSNP rs2139397506, ClinGen allele CA388861234.

ClinVar aggregate classification (germline): Pathogenic (1 of 4 stars; one submission).

Conditions:
Neurodevelopmental disorder with dysmorphic facies and thin corpus callosum. Identifiers: MedGen C5551361, MONDO:0859179, OMIM 619480.

Submission:

Diagnostics Services (NGS), CSIR - Centre For Cellular And Molecular Biology
Classification: Pathogenic for Neurodevelopmental disorder with dysmorphic facies and thin corpus callosum. Last evaluated: 2024-07-01. Review status: criteria provided, single submitter. Criteria: ACMG Guidelines, 2015. Collection method: clinical testing. Allele origin: de novo. Inheritance: Autosomal dominant inheritance. Affected: yes. Observed: 1 variant allele, 1 heterozygote.
Comment: The c.2539C>T variant is not present in publicly available population databases like in 1000 Genomes, Exome Aggregation Consortium (ExAC), Genome Aggregation Database (gnomAD) and dbSNP, Exome Variant Server (EVS), Indian Exome Database and in our in-house exome database. In-silico pathogenicity prediction programs like MutationTaster2, CADD, Varsome etc. predicted this variant to be likely deleterious, however these predictions were not confirmed by any published functional studies.

Literature cited by the submitters: PubMed 38818817; PubMed 31924697.